The following is an entry in ClinVar:

NM_017866.6(TMEM70):c.85C>T (p.Leu29Phe)

Gene: TMEM70 (transmembrane protein 70; plus strand). Cytogenetic location: 8q21.11.
Variant type: single nucleotide variant.
Coding change: c.85C>T on transcript NM_017866.6 (MANE Select); coding-DNA position 85, C replaced by T.
Protein change: p.Leu29Phe; replaces leucine 29 with phenylalanine.
Molecular consequence: missense variant. On other transcripts: non-coding transcript variant (1).
Genome position (GRCh38, 1-based): chr8:73,976,366, C>T. VCF-style: chr8-73976366-C-T. GRCh37 (hg19) VCF-style: chr8-74888601-C-T.
Other names: c.85C>T (NM_017866.5); c.85C>T, p.Leu29Phe (NM_001040613.3); short protein forms L29F.
Identifiers: ClinVar variation 1411915 (VCV001411915.4), dbSNP rs747425671, ClinGen allele CA4783948.

ClinVar aggregate classification (germline): Uncertain significance. Review status: criteria provided, multiple submitters, no conflicts (2 of 4 stars). 2 submissions from 2 submitters: Uncertain significance (2). Last evaluated 2023-06-29.

Conditions:
Mitochondrial complex V (ATP synthase) deficiency, nuclear type 2. Also called: Nuclear-Encoded ATPase Deficiency, TMEM70-Related; ENCEPHALOCARDIOMYOPATHY, MITOCHONDRIAL, NEONATAL, DUE TO ATP SYNTHASE DEFICIENCY; MITOCHONDRIAL COMPLEX V (ATP SYNTHASE) DEFICIENCY, TMEM70 TYPE. Identifiers: Orphanet 1194, MedGen C3279699, MONDO:0013546, OMIM 614052.
Inborn genetic diseases. Identifiers: MedGen C0950123, MeSH D030342.

Allele frequency attached by ClinVar (database versions not stated): gnomAD 0.00001; gnomAD exomes 0.00001 and 0.00007; ExAC 0.00004; TOPMed 0.00006.

Submissions (2):

Ambry Genetics
Classification: Uncertain significance for Inborn genetic diseases. Last evaluated: 2023-06-29. Review status: criteria provided, single submitter. Criteria: Ambry Variant Classification Scheme 2023. Collection method: clinical testing. Allele origin: germline.

Labcorp Genetics (formerly Invitae), Labcorp
Classification: Uncertain significance for Mitochondrial complex V (ATP synthase) deficiency, nuclear type 2. Last evaluated: 2021-11-02. Review status: criteria provided, single submitter. Criteria: Invitae Variant Classification Sherloc (09022015). Collection method: clinical testing. Allele origin: germline.
Comment: This sequence change replaces leucine, which is neutral and non-polar, with phenylalanine, which is neutral and non-polar, at codon 29 of the TMEM70 protein (p.Leu29Phe). This variant is present in population databases (rs747425671, gnomAD 0.1%). This variant has not been reported in the literature in individuals affected with TMEM70-related conditions. Algorithms developed to predict the effect of missense changes on protein structure and function output the following: SIFT: "Tolerated"; PolyPhen-2: "Benign"; Align-GVGD: "Class C0". The phenylalanine amino acid residue is found in multiple mammalian species, which suggests that this missense change does not adversely affect protein function. In summary, the available evidence is currently insufficient to determine the role of this variant in disease. Therefore, it has been classified as a Variant of Uncertain Significance.